The following is an entry in ClinVar:

ClinVar aggregate classification (germline): Conflicting classifications of pathogenicity. Review status: criteria provided, conflicting classifications (1 of 4 stars). 5 submissions from 5 submitters: Uncertain significance (2); Benign (1); Likely benign (2). Last evaluated 2025-10-14.

Conditions:
Cataract 22 multiple types. Also called: Cataract 22; CATARACT 22, MULTIPLE TYPES, AUTOSOMAL DOMINANT; CATARACT 22, NUCLEAR, AUTOSOMAL RECESSIVE. Identifiers: Orphanet 91492, MedGen C1857853, MONDO:0012336, OMIM 609741.
CRYBB3-related disorder. Also called: CRYBB3-related condition.

Allele frequency attached by ClinVar (database versions not stated): 1000 Genomes Project 30x 0.00016; 1000 Genomes Project 0.00020; gnomAD exomes 0.00054 and 0.00117; ExAC 0.00094; gnomAD 0.00127 and 0.00135; ESP Exome Variant Server 0.00154; TOPMed 0.00165.
gnomAD v4.1: 1,062 of 1,613,658 alleles (0.066%); highest among the groups gnomAD compares: African/African-American, 0.29%; 7 homozygotes.

Submissions (5):

Labcorp Genetics (formerly Invitae), Labcorp
Classification: Benign for Cataract 22 multiple types. Last evaluated: 2025-10-14. Review status: criteria provided, single submitter. Criteria: Invitae Variant Classification Sherloc (09022015). Collection method: clinical testing. Allele origin: germline.

PreventionGenetics, part of Exact Sciences
Classification: Uncertain significance for CRYBB3-related condition. Last evaluated: 2023-09-21. Review status: criteria provided, single submitter. Criteria: ACMG Guidelines, 2015. Collection method: clinical testing. Allele origin: germline.
Comment: The CRYBB3 c.547G>T variant is predicted to result in premature protein termination (p.Glu183*). This variant occurs within the terminal exon of CRYBB3 and is predicted to shorten the coding sequence by 28 amino acids. This variant was reported in a family with congenital cataracts; however, all affected family members harbored a pathogenic variant in EPHA2. The CRYBB3 (p.Glu183*) did not segregate with the disorder and was excluded from further analysis (Reis et al. 2014. PubMed ID: 24940039). This variant was also reported in the heterozygous state in an individual with early-onset high myopia (eoHM); however, this patient also had additional variants in other candidate genes and all variants were reported to be maternally-inherited (Patient OFT-00332 in González-Iglesias et al 2022. PubMed ID: 35457050). This variant is reported in 1.9% of alleles in individuals of Ashkenazi Jewish descent in gnomAD, including two homozygous individuals. Loss of function has not been a well documented cause of CRYBB3-related disease (Human Gene Mutation Database). Although we suspect that this variant may be benign, at this time, the clinical significance of this variant is uncertain due to the absence of conclusive functional and genetic evidence.

CeGaT Center for Human Genetics Tuebingen
Classification: Likely benign. Last evaluated: 2023-09-01. Review status: criteria provided, single submitter. Criteria: CeGaT Center For Human Genetics Tuebingen Variant Classification Criteria Version 2. Collection method: clinical testing. Allele origin: germline. Affected: yes. Observed: 2 variant alleles.
Comment: CRYBB3: BS2

Department of Pathology and Laboratory Medicine, Sinai Health System
Classification: Likely benign for cataract 22 multiple types. Last evaluated: 2021-07-30. Review status: criteria provided, single submitter. Criteria: ACMG Guidelines, 2015. Collection method: research. Allele origin: germline.

Illumina Laboratory Services, Illumina
Classification: Uncertain significance for Cataract 22 multiple types. Last evaluated: 2017-04-27. Review status: criteria provided, single submitter. Criteria: ICSL Variant Classification Criteria 13 December 2019. Collection method: clinical testing. Allele origin: germline.
Comment: This variant was observed as part of a predisposition screen in an ostensibly healthy population. A literature search was performed for the gene, cDNA change, and amino acid change (where applicable). Publications were found based on this search. However, the evidence from the literature, in combination with allele frequency data from public databases where available, was not sufficient to rule this variant in or out of causing disease. Therefore, this variant is classified as a variant of unknown significance.

Literature cited by the submitters: PubMed 24940039 (cited by Illumina Laboratory Services, Illumina).

NM_004076.5(CRYBB3):c.547G>T (p.Glu183Ter)

Gene: CRYBB3 (crystallin beta B3; plus strand). Cytogenetic location: 22q11.23.
Variant type: single nucleotide variant.
Coding change: c.547G>T on transcript NM_004076.5 (MANE Select); coding-DNA position 547, G replaced by T.
Protein change: p.Glu183Ter; replaces glutamic acid 183 with a stop codon.
Molecular consequence: nonsense.
Genome position (GRCh38, 1-based): chr22:25,207,123, G>T. VCF-style: chr22-25207123-G-T. GRCh37 (hg19) VCF-style: chr22-25603090-G-T.
Other names: short protein forms E183*.
Identifiers: ClinVar variation 466361 (VCV000466361.42), dbSNP rs147328317, ClinGen allele CA10157846.